The following is an entry in ClinVar:

ClinVar aggregate classification (germline): Benign/Likely benign. Review status: criteria provided, multiple submitters, no conflicts (2 of 4 stars). 2 submissions from 2 submitters: Benign (1); Likely benign (1). Last evaluated 2025-12-10.

Conditions:
LOXL3-related disorder. Also called: LOXL3-related condition.

Allele frequency attached by ClinVar (database versions not stated): ESP Exome Variant Server 0.00008; gnomAD exomes 0.00010 and 0.00020; TOPMed 0.00011; gnomAD 0.00013 and 0.00014; ExAC 0.00016.
gnomAD v4.1: 180 of 1,614,036 alleles (0.011%); highest among the groups gnomAD compares: Middle Eastern, 0.016%; no homozygotes.

Submissions (2):

Labcorp Genetics (formerly Invitae), Labcorp
Classification: Benign. Last evaluated: 2025-12-10. Review status: criteria provided, single submitter. Criteria: Invitae Variant Classification Sherloc (09022015). Collection method: clinical testing. Allele origin: germline.

PreventionGenetics, part of Exact Sciences
Classification: Likely benign for LOXL3-related condition. Last evaluated: 2025-05-08. Review status: criteria provided, single submitter. Criteria: ACMG Guidelines, 2015. Collection method: clinical testing. Allele origin: germline.
Comment: This variant is classified as likely benign based on ACMG/AMP sequence variant interpretation guidelines (Richards et al. 2015 PMID: 25741868, with internal and published modifications).

NM_032603.5(LOXL3):c.2064C>T (p.Asn688=)

Gene: LOXL3 (lysyl oxidase like 3; minus strand). Cytogenetic location: 2p13.1.
Variant type: single nucleotide variant.
Coding change: c.2064C>T on transcript NM_032603.5 (MANE Select); coding-DNA position 2064, C replaced by T.
Protein change: p.Asn688=; no amino-acid change (asparagine 688 retained).
Molecular consequence: synonymous variant.
Genome position (GRCh38, 1-based): chr2:74,534,112, G>A on the plus strand (C>T on the coding strand, the complement: LOXL3 is on the minus strand). VCF-style: chr2-74534112-G-A. GRCh37 (hg19) VCF-style: chr2-74761239-G-A.
Other names: c.2064C>T (NM_032603.4); c.1629C>T, p.Asn543= (NM_001289164.3); c.981C>T, p.Asn327= (NM_001289165.2).
Identifiers: ClinVar variation 1632815 (VCV001632815.9), dbSNP rs139838276, ClinGen allele CA1728722.